The following is an entry in ClinVar:

ClinVar aggregate classification (germline): Uncertain significance (1 of 4 stars; one submission).

Conditions:
Familial sleep-related hypermotor epilepsy. Also called: Autosomal Dominant Sleep-Related Hypermotor (Hyperkinetic) Epilepsy. Identifiers: Orphanet 98784, MedGen C3696898, MONDO:0000030.

gnomAD v4.1: 1 of 1,596,276 alleles (0.000063%); highest among the groups gnomAD compares: Non-Finnish European, 0.000085%; no homozygotes.

Submission:

Labcorp Genetics (formerly Invitae), Labcorp
Classification: Uncertain significance. Last evaluated: 2025-04-02. Review status: criteria provided, single submitter. Criteria: Invitae Variant Classification Sherloc (09022015). Collection method: clinical testing. Allele origin: germline.
Comment: This sequence change replaces lysine, which is basic and polar, with arginine, which is basic and polar, at codon 97 of the CHRNA4 protein (p.Lys97Arg). This variant is present in population databases (rs764421351, gnomAD 0.0009%). This variant has not been reported in the literature in individuals affected with CHRNA4-related conditions. Invitae Evidence Modeling of protein sequence and biophysical properties (such as structural, functional, and spatial information, amino acid conservation, physicochemical variation, residue mobility, and thermodynamic stability) indicates that this missense variant is not expected to disrupt CHRNA4 protein function with a negative predictive value of 80%. In summary, the available evidence is currently insufficient to determine the role of this variant in disease. Therefore, it has been classified as a Variant of Uncertain Significance.

NM_000744.7(CHRNA4):c.290A>G (p.Lys97Arg)

Genes: CHRNA4 (cholinergic receptor nicotinic alpha 4 subunit; minus strand), LOC126863087 (P300/CBP strongly-dependent group 1 enhancer GRCh37_chr20:61986832-61988031; plus strand). Cytogenetic location: 20q13.33.
Variant type: single nucleotide variant.
Coding change: c.290A>G on transcript NM_000744.7 (MANE Select); coding-DNA position 290, A replaced by G.
Protein change: p.Lys97Arg; replaces lysine 97 with arginine.
Molecular consequence: missense variant. On other transcripts: 5 prime UTR variant (1), non-coding transcript variant (1).
Genome position (GRCh38, 1-based): chr20:63,356,068, T>C on the plus strand (A>G on the coding strand, the complement: CHRNA4 is on the minus strand). VCF-style: chr20-63356068-T-C. GRCh37 (hg19) VCF-style: chr20-61987420-T-C.
Other names: c.-257A>G (NM_001256573.2); short protein forms K97R.
Identifiers: ClinVar variation 4694076 (VCV004694076.1).